The following is an entry in ClinVar:

NM_001378454.1(ALMS1):c.10079-1G>C

Gene: ALMS1 (ALMS1 centrosome and basal body associated protein; plus strand). Cytogenetic location: 2p13.1.
Variant type: single nucleotide variant.
Coding change: c.10079-1G>C on transcript NM_001378454.1 (MANE Select); the canonical splice acceptor site of the intron before coding-DNA position 10079, G replaced by C.
Molecular consequence: splice acceptor variant.
Genome position (GRCh38, 1-based): chr2:73,557,219, G>C. VCF-style: chr2-73557219-G-C. GRCh37 (hg19) VCF-style: chr2-73784346-G-C.
Other names: c.10079-1G>C (NM_015120.4); c.10082-1G>C (NM_015120.4).
Identifiers: ClinVar variation 557183 (VCV000557183.9), dbSNP rs1361885101, ClinGen allele CA347276074.

ClinVar aggregate classification (germline): Likely pathogenic. Review status: criteria provided, multiple submitters, no conflicts (2 of 4 stars). 3 submissions from 3 submitters: Likely pathogenic (2). 1 of the submissions does not count toward it. Last evaluated 2021-11-06.

Conditions:
Alstrom syndrome (ALMS). Identifiers: Orphanet 64, MedGen C0268425, MONDO:0008763, OMIM 203800.

Allele frequency attached by ClinVar (database versions not stated): gnomAD exomes below 0.00001.

Submissions (3):

Fulgent Genetics
Classification: Likely pathogenic for Alstrom syndrome. Last evaluated: 2021-11-06. Review status: criteria provided, single submitter. Criteria: ACMG Guidelines, 2015. Collection method: clinical testing. Allele origin: unknown.

Labcorp Genetics (formerly Invitae), Labcorp
Classification: Likely pathogenic for Alstrom syndrome. Last evaluated: 2021-10-13. Review status: criteria provided, single submitter. Criteria: Invitae Variant Classification Sherloc (09022015). Collection method: clinical testing. Allele origin: germline.
Comment: In summary, the currently available evidence indicates that the variant is pathogenic, but additional data are needed to prove that conclusively. Therefore, this variant has been classified as Likely Pathogenic. ClinVar contains an entry for this variant (Variation ID: 557183). This variant has not been reported in the literature in individuals affected with ALMS1-related conditions. This variant is not present in population databases (ExAC no frequency). This sequence change affects an acceptor splice site in intron 13 of the ALMS1 gene. It is expected to disrupt RNA splicing. Variants that disrupt the donor or acceptor splice site typically lead to a loss of protein function (PMID: 16199547), and loss-of-function variants in ALMS1 are known to be pathogenic (PMID: 17594715).

Counsyl
Classification: Likely pathogenic for Alstrom syndrome. Last evaluated: 2018-03-12. Review status: no assertion criteria provided. Collection method: clinical testing. Allele origin: unknown. Not counted in ClinVar's aggregate classification.

Literature cited by the submitters: PubMed 16199547 (cited by Labcorp Genetics (formerly Invitae), Labcorp); PubMed 17594715 (cited by Labcorp Genetics (formerly Invitae), Labcorp).